The following is an entry in ClinVar:

ClinVar aggregate classification (germline): Benign. Review status: criteria provided, single submitter (1 of 4 stars). 2 submissions from 2 submitters: Benign (1). 1 of the submissions does not count toward it. Last evaluated 2025-02-16.

Conditions:
FOXE1-related disorder. Also called: FOXE1-related condition.

Submissions (2):

Laboratory of Genetics, Children's Clinical University Hospital Latvia
Classification: Benign. Last evaluated: 2025-02-16. Review status: criteria provided, single submitter. Criteria: ACMG Guidelines, 2015. Collection method: clinical testing. Allele origin: germline. Affected: yes.

PreventionGenetics, part of Exact Sciences
Classification: Likely benign for FOXE1-related condition. Last evaluated: 2023-12-07. Review status: no assertion criteria provided. Collection method: clinical testing. Allele origin: germline. Not counted in ClinVar's aggregate classification.
Comment: This variant is classified as likely benign based on ACMG/AMP sequence variant interpretation guidelines (Richards et al. 2015 PMID: 25741868, with internal and published modifications).

NM_004473.4(FOXE1):c.504_515del (p.Ala176_Ala179del)

Gene: FOXE1 (forkhead box E1; plus strand). Cytogenetic location: 9q22.33.
Variant type: Deletion.
Coding change: c.504_515del on transcript NM_004473.4 (MANE Select); coding-DNA positions 504 to 515, 12 bases deleted (AGCCGCCGCCGC).
Protein change: p.Ala176_Ala179del.
Genome position (GRCh38, 1-based): chr9:97,854,418-97,854,429, AGCCGCCGCCGC deleted; deleting any 12 consecutive bases within chr9:97,854,413-97,854,429 gives the same sequence; the c. name uses the placement nearest the transcript's 3' end. VCF-style (leftmost placement, unchanged base first): chr9-97854412-TGCCGCAGCCGCC-T. GRCh37 (hg19) VCF-style: chr9-100616694-TGCCGCAGCCGCC-T.
Identifiers: ClinVar variation 3044967 (VCV003044967.3), dbSNP rs762571620, ClinGen allele CA5149108.